The following is an entry in ClinVar:

ClinVar aggregate classification (germline): Pathogenic (1 of 4 stars; one submission).

Submission:

Labcorp Genetics (formerly Invitae), Labcorp
Classification: Pathogenic. Last evaluated: 2024-08-12. Review status: criteria provided, single submitter. Criteria: Invitae Variant Classification Sherloc (09022015). Collection method: clinical testing. Allele origin: germline.
Comment: This sequence change creates a premature translational stop signal (p.Leu924Profs*46) in the CDH23 gene. It is expected to result in an absent or disrupted protein product. Loss-of-function variants in CDH23 are known to be pathogenic (PMID: 11138009, 21940737). This variant is not present in population databases (gnomAD no frequency). This variant has not been reported in the literature in individuals affected with CDH23-related conditions. ClinVar contains an entry for this variant (Variation ID: 1411794). For these reasons, this variant has been classified as Pathogenic.

Literature cited by the submitters: PubMed 11138009; PubMed 21940737.

NM_022124.6(CDH23):c.2768dup (p.Leu924fs)

Gene: CDH23 (cadherin related 23; plus strand). Cytogenetic location: 10q22.1.
Variant type: Duplication.
Coding change: c.2768dup on transcript NM_022124.6 (MANE Select); coding-DNA position 2768, one base duplicated (G; older notation c.2768dupG).
Protein change: p.Leu924fs; shifts the reading frame from leucine 924.
Molecular consequence: frameshift variant.
Genome position (GRCh38, 1-based): chr10:71,704,945, G duplicated; the last of 2 consecutive G bases (chr10:71,704,944-71,704,945); duplicating either gives the same sequence. VCF-style (leftmost placement, unchanged base first): chr10-71704943-C-CG. GRCh37 (hg19) VCF-style: chr10-73464700-C-CG.
Other names: c.2768dup, p.Leu924fs (NM_001171930.2, NM_001171931.2); short protein forms L924fs.
Identifiers: ClinVar variation 1411794 (VCV001411794.6), dbSNP rs2132739739, ClinGen allele CA2573145360.